The following is an entry in ClinVar:

ClinVar aggregate classification (germline): Uncertain significance (1 of 4 stars; one submission).

Conditions:
Wilson disease (WND). Also called: Wilson's disease. Identifiers: Orphanet 905, MedGen C0019202, MONDO:0010200, OMIM 277900. Disease mechanism: loss of function.

Submission:

All of Us Research Program, National Institutes of Health
Classification: Uncertain significance for Wilson disease. Last evaluated: 2023-05-16. Review status: criteria provided, single submitter. Criteria: ACMG Guidelines, 2015. Collection method: clinical testing. Allele origin: germline. Inheritance: Autosomal recessive inheritance. Observed: 1 variant allele, 1 heterozygote.
Comment: This missense variant replaces glutamine with leucine at codon 241 of the ATP7B protein. Computational prediction suggests that this variant may not impact protein structure and function (internally defined REVEL score threshold <= 0.5, PMID: 27666373). To our knowledge, functional studies have not been reported for this variant. This variant has not been reported in individuals affected with ATP7B-related disorders in the literature. This variant has not been identified in the general population by the Genome Aggregation Database (gnomAD). The available evidence is insufficient to determine the role of this variant in disease conclusively. Therefore, this variant is classified as a Variant of Uncertain Significance.

This study involves interpretation of variants in research participants for the purpose of population health screening. Participant phenotype was not available at the time of variant classification. Additional details can be found in publication PMID: 35346344, PMCID: PMC8962531

NM_000053.4(ATP7B):c.722A>T (p.Gln241Leu)

Gene: ATP7B (ATPase copper transporting beta; minus strand). Cytogenetic location: 13q14.3.
Variant type: single nucleotide variant.
Coding change: c.722A>T on transcript NM_000053.4 (MANE Select); coding-DNA position 722, A replaced by T.
Protein change: p.Gln241Leu; replaces glutamine 241 with leucine.
Molecular consequence: missense variant.
Genome position (GRCh38, 1-based): chr13:51,974,498, T>A on the plus strand (A>T on the coding strand, the complement: ATP7B is on the minus strand). VCF-style: chr13-51974498-T-A. GRCh37 (hg19) VCF-style: chr13-52548634-T-A.
Other names: c.722A>T, p.Gln241Leu (NM_001406521.1, NM_001406522.1, NM_001406523.1 and 30 more transcripts); c.626A>T, p.Gln209Leu (NM_001406530.1, NM_001406517.1, NM_001406518.1 and 4 more transcripts); short protein forms Q209L, Q241L.
Identifiers: ClinVar variation 3071071 (VCV003071071.1), dbSNP rs2547819308, ClinGen allele CA388041771.